The following is an entry in ClinVar:

ClinVar aggregate classification (germline): Uncertain significance (1 of 4 stars; one submission).

Submission:

CeGaT Center for Human Genetics Tuebingen
Classification: Uncertain significance. Last evaluated: 2023-01-01. Review status: criteria provided, single submitter. Criteria: CeGaT Center For Human Genetics Tuebingen Variant Classification Criteria Version 2. Collection method: clinical testing. Allele origin: germline. Affected: yes. Observed: 1 variant allele.
Comment: CTBP1: PM2, BP4

NM_001012614.2(CTBP1):c.860+7C>G

Genes: CTBP1 (C-terminal binding protein 1; minus strand), CTBP1-AS (CTBP1 antisense RNA; plus strand). Cytogenetic location: 4p16.3.
Variant type: single nucleotide variant.
Coding change: c.860+7C>G on transcript NM_001012614.2 (MANE Select); 7 bases into the intron after coding-DNA position 860, C replaced by G.
Molecular consequence: intron variant.
Genome position (GRCh38, 1-based): chr4:1,214,336, G>C on the plus strand (C>G on the coding strand, the complement: CTBP1 is on the minus strand). VCF-style: chr4-1214336-G-C. GRCh37 (hg19) VCF-style: chr4-1208124-G-C.
Other names: c.860+7C>G (NM_001377192.1, NM_001377189.1, NM_001377193.1 and 4 more transcripts); c.893+7C>G (NM_001328.3, NM_001377186.1).
Identifiers: ClinVar variation 2654549 (VCV002654549.24), dbSNP rs779471017, ClinGen allele CA2695199352.